The following is an entry in ClinVar:

ClinVar aggregate classification (germline): Uncertain significance (1 of 4 stars; one submission).

gnomAD v4.1: 1 of 1,564,802 alleles (0.000064%); highest among the groups gnomAD compares: Admixed American, 0.0019%; no homozygotes.

Submission:

Labcorp Genetics (formerly Invitae), Labcorp
Classification: Uncertain significance. Last evaluated: 2022-06-27. Review status: criteria provided, single submitter. Criteria: Invitae Variant Classification Sherloc (09022015). Collection method: clinical testing. Allele origin: germline.
Comment: In summary, the available evidence is currently insufficient to determine the role of this variant in disease. Therefore, it has been classified as a Variant of Uncertain Significance. Algorithms developed to predict the effect of missense changes on protein structure and function are either unavailable or do not agree on the potential impact of this missense change (SIFT: "Not Available"; PolyPhen-2: "Possibly Damaging"; Align-GVGD: "Not Available"). This variant has not been reported in the literature in individuals affected with MYO18B-related conditions. The frequency data for this variant in the population databases is considered unreliable, as metrics indicate poor data quality at this position in the gnomAD database. This sequence change replaces cysteine with phenylalanine at codon 1847 of the MYO18B protein (p.Cys1847Phe). The cysteine residue is moderately conserved and there is a large physicochemical difference between cysteine and phenylalanine.

NM_032608.7(MYO18B):c.5540G>T (p.Cys1847Phe)

Gene: MYO18B (myosin XVIIIB; plus strand). Cytogenetic location: 22q12.1.
Variant type: single nucleotide variant.
Coding change: c.5540G>T on transcript NM_032608.7 (MANE Select); coding-DNA position 5540, G replaced by T.
Protein change: p.Cys1847Phe; replaces cysteine 1847 with phenylalanine.
Molecular consequence: missense variant.
Genome position (GRCh38, 1-based): chr22:25,946,159, G>T. VCF-style: chr22-25946159-G-T. GRCh37 (hg19) VCF-style: chr22-26342125-G-T.
Other names: c.5543G>T, p.Cys1848Phe (NM_001318245.2); short protein forms C1847F, C1848F.
Identifiers: ClinVar variation 1521742 (VCV001521742.6), dbSNP rs1436663733, ClinGen allele CA411007664.